The following is an entry in ClinVar:

NM_000052.7(ATP7A):c.2373T>G (p.Ile791Met)

Gene: ATP7A (ATPase copper transporting alpha; plus strand). Cytogenetic location: Xq21.1.
Variant type: single nucleotide variant.
Coding change: c.2373T>G on transcript NM_000052.7 (MANE Select); coding-DNA position 2373, T replaced by G.
Protein change: p.Ile791Met; replaces isoleucine 791 with methionine.
Molecular consequence: missense variant. On other transcripts: intron variant (1).
Genome position (GRCh38, 1-based): chrX:78,013,079, T>G. VCF-style: chrX-78013079-T-G. GRCh37 (hg19) VCF-style: chrX-77268576-T-G.
Other names: c.2172+1405T>G (NM_001282224.2); short protein forms I791M.
Identifiers: ClinVar variation 1024165 (VCV001024165.9), dbSNP rs2077838404, ClinGen allele CA413599535.
Genomic context (GRCh38, chrX:78,013,079, plus strand): 5'-GAGAGCCAAAGTGAACCCTATTACTTTCTTTGACACACCCCCTATGCTGTTTGTGTTTAT[T>G]GCACTAGGCCGATGGCTGGAACATATAGCAAAGGTAAAGTAAGAAAGGGTGACATTTGTT-3'
Protein context (NP_000043.4, residues 781-801): FDTPPMLFVF[Ile791Met]ALGRWLEHIA

ClinVar aggregate classification (germline): Uncertain significance (1 of 4 stars; one submission).

Conditions:
X-linked distal spinal muscular atrophy type 3. Also called: SPINAL MUSCULAR ATROPHY, DISTAL, X-LINKED RECESSIVE; NEURONOPATHY, DISTAL HEREDITARY MOTOR, X-LINKED; NEUROPATHY, DISTAL HEREDITARY MOTOR, X-LINKED; ATP7A-Related Distal Motor Neuropathy. Identifiers: Orphanet 139557, MedGen C1845359, MONDO:0010338, OMIM 300489.
Menkes kinky-hair syndrome (MNK). Also called: Classic Menkes Disease; Menkes Disease; Copper transport disease. Identifiers: Orphanet 565, MedGen C0022716, MONDO:0010651, OMIM 309400.
Cutis laxa, X-linked (OHS). Also called: EDS IX; Occipital horn syndrome. Identifiers: Orphanet 198, MedGen C0268353, MONDO:0010572, OMIM 304150.

Submission:

Labcorp Genetics (formerly Invitae), Labcorp
Classification: Uncertain significance for X-linked distal spinal muscular atrophy type 3; Cutis laxa, X-linked; Menkes kinky-hair syndrome. Last evaluated: 2020-10-03. Review status: criteria provided, single submitter. Criteria: Invitae Variant Classification Sherloc (09022015). Collection method: clinical testing. Allele origin: germline.
Comment: In summary, the available evidence is currently insufficient to determine the role of this variant in disease. Therefore, it has been classified as a Variant of Uncertain Significance. Advanced modeling of protein sequence and biophysical properties (such as structural, functional, and spatial information, amino acid conservation, physicochemical variation, residue mobility, and thermodynamic stability) performed at Invitae indicates that this missense variant is not expected to disrupt ATP7A protein function. This variant has not been reported in the literature in individuals with ATP7A-related conditions. This variant is not present in population databases (ExAC no frequency). This sequence change replaces isoleucine with methionine at codon 791 of the ATP7A protein (p.Ile791Met). The isoleucine residue is highly conserved and there is a small physicochemical difference between isoleucine and methionine.